The following is an entry in ClinVar:

ClinVar aggregate classification (germline): Conflicting classifications of pathogenicity. Review status: criteria provided, conflicting classifications (1 of 4 stars). 2 submissions from 2 submitters: Uncertain significance (1); Likely benign (1). Last evaluated 2025-11-01.

Conditions:
Inborn genetic diseases. Identifiers: MedGen C0950123, MeSH D030342.

gnomAD v4.1: 31 of 1,613,690 alleles (0.0019%); highest among the groups gnomAD compares: Admixed American, 0.0033%; no homozygotes.

Submissions (2):

CeGaT Center for Human Genetics Tuebingen
Classification: Uncertain significance. Last evaluated: 2025-11-01. Review status: criteria provided, single submitter. Criteria: CeGaT Center For Human Genetics Tuebingen Variant Classification Criteria Version 2. Collection method: clinical testing. Allele origin: germline. Affected: yes. Observed: 1 variant allele.
Comment: HCN2: PP3

Ambry Genetics
Classification: Likely benign for Inborn genetic diseases. Last evaluated: 2025-09-22. Review status: criteria provided, single submitter. Criteria: Ambry Variant Classification Scheme 2023. Collection method: clinical testing. Allele origin: germline.

NM_001194.4(HCN2):c.1489C>T (p.Arg497Cys)

Gene: HCN2 (hyperpolarization activated cyclic nucleotide gated potassium and sodium channel 2; plus strand). Cytogenetic location: 19p13.3.
Variant type: single nucleotide variant.
Coding change: c.1489C>T on transcript NM_001194.4 (MANE Select); coding-DNA position 1489, C replaced by T.
Protein change: p.Arg497Cys; replaces arginine 497 with cysteine.
Molecular consequence: missense variant.
Genome position (GRCh38, 1-based): chr19:610,310, C>T. VCF-style: chr19-610310-C-T. GRCh37 (hg19) VCF-style: chr19-610310-C-T.
Other names: c.1489C>T (NM_001194.3); short protein forms R497C.
Identifiers: ClinVar variation 4534309 (VCV004534309.6).